The following is an entry in ClinVar:

NM_016373.4(WWOX):c.670G>A (p.Gly224Ser)

Gene: WWOX (WW domain containing oxidoreductase; plus strand). Cytogenetic location: 16q23.1.
Variant type: single nucleotide variant.
Coding change: c.670G>A on transcript NM_016373.4 (MANE Select); coding-DNA position 670, G replaced by A.
Protein change: p.Gly224Ser; replaces glycine 224 with serine.
Molecular consequence: missense variant.
Genome position (GRCh38, 1-based): chr16:78,424,934, G>A. VCF-style: chr16-78424934-G-A. GRCh37 (hg19) VCF-style: chr16-78458831-G-A.
Other names: c.331G>A, p.Gly111Ser (NM_001291997.2); short protein forms G224S, G111S.
Identifiers: ClinVar variation 1433889 (VCV001433889.5), dbSNP rs1349025177, ClinGen allele CA396842788.

ClinVar aggregate classification (germline): Uncertain significance (1 of 4 stars; one submission).

Conditions:
Developmental and epileptic encephalopathy, 1 (DEE1). Also called: X-linked infantile spasms; West's syndrome; Tonic spasms with clustering, arrest of psychomotor development and hypsarrhythmia on EEG; X-Linked Infantile Spasm Syndrome; OHTAHARA SYNDROME, X-LINKED; Epileptic encephalopathy, early infantile, 1. Identifiers: MedGen C3463992, MONDO:0010632, OMIM 308350. Disease mechanism: loss of function.
Autosomal recessive spinocerebellar ataxia 12. Also called: SPINOCEREBELLAR ATAXIA WITH MENTAL RETARDATION AND EPILEPSY. Identifiers: Orphanet 284282, MedGen C3280452, MONDO:0013687, OMIM 614322.

Allele frequency attached by ClinVar (database versions not stated): gnomAD 0.00001; TOPMed 0.00003; gnomAD exomes below 0.00001.
gnomAD v4.1: 2 of 1,614,020 alleles (0.00012%); highest among the groups gnomAD compares: African/African-American, 0.0027%; no homozygotes.

Submission:

Labcorp Genetics (formerly Invitae), Labcorp
Classification: Uncertain significance for Developmental and epileptic encephalopathy, 1; Autosomal recessive spinocerebellar ataxia 12. Last evaluated: 2022-02-04. Review status: criteria provided, single submitter. Criteria: Invitae Variant Classification Sherloc (09022015). Collection method: clinical testing. Allele origin: germline.
Comment: This sequence change replaces glycine, which is neutral and non-polar, with serine, which is neutral and polar, at codon 224 of the WWOX protein (p.Gly224Ser). This variant is present in population databases (no rsID available, gnomAD 0.007%). This variant has not been reported in the literature in individuals affected with WWOX-related conditions. Algorithms developed to predict the effect of missense changes on protein structure and function are either unavailable or do not agree on the potential impact of this missense change (SIFT: "Not Available"; PolyPhen-2: "Possibly Damaging"; Align-GVGD: "Not Available"). In summary, the available evidence is currently insufficient to determine the role of this variant in disease. Therefore, it has been classified as a Variant of Uncertain Significance.